The following is an entry in ClinVar:

ClinVar aggregate classification (germline): Conflicting classifications of pathogenicity. Review status: criteria provided, conflicting classifications (1 of 4 stars). 3 submissions from 3 submitters: Uncertain significance (2); Benign (1). Last evaluated 2025-12-30.

Conditions:
Hereditary cancer-predisposing syndrome. Also called: Neoplastic Syndromes, Hereditary; Hereditary Cancer Syndrome; Hereditary neoplastic syndrome; Tumor predisposition. Identifiers: Orphanet 140162, MedGen C0027672, MeSH D009386, MONDO:0015356.
Tuberous sclerosis 2 (TSC2). Identifiers: Orphanet 805, MedGen C1860707, MONDO:0013199, OMIM 613254.
Tuberous sclerosis syndrome (TSC). Also called: Tuberous Sclerosis Complex; Tuberous sclerosis. Identifiers: Orphanet 805, MedGen C0041341, MONDO:0001734.

Allele frequency attached by ClinVar (database versions not stated): gnomAD exomes below 0.00001; TOPMed 0.00001.
gnomAD v4.1: 2 of 1,612,560 alleles (0.00012%); highest among the groups gnomAD compares: African/African-American, 0.0013%; no homozygotes.

Submissions (3):

Labcorp Genetics (formerly Invitae), Labcorp
Classification: Benign for Tuberous sclerosis 2. Last evaluated: 2025-12-30. Review status: criteria provided, single submitter. Criteria: Invitae Variant Classification Sherloc (09022015). Collection method: clinical testing. Allele origin: germline.

Ambry Genetics
Classification: Uncertain significance for Hereditary cancer-predisposing syndrome. Last evaluated: 2024-03-18. Review status: criteria provided, single submitter. Criteria: Ambry Variant Classification Scheme 2023. Collection method: clinical testing. Allele origin: germline.
Comment: The p.S1277F variant (also known as c.3830C>T), located in coding exon 31 of the TSC2 gene, results from a C to T substitution at nucleotide position 3830. The serine at codon 1277 is replaced by phenylalanine, an amino acid with highly dissimilar properties. This amino acid position is conserved. In addition, the in silico prediction for this alteration is inconclusive. Based on the available evidence, the clinical significance of this alteration remains unclear.

All of Us Research Program, National Institutes of Health
Classification: Uncertain significance for Tuberous sclerosis syndrome. Last evaluated: 2023-04-10. Review status: criteria provided, single submitter. Criteria: ACMG Guidelines, 2015. Collection method: clinical testing. Allele origin: germline. Inheritance: Autosomal dominant inheritance. Observed: 1 variant allele, 1 heterozygote.
Comment: This missense variant replaces serine with phenylalanine at codon 1277 of the TSC2 protein. Computational prediction is inconclusive regarding the impact of this variant on protein structure and function (internally defined REVEL score threshold 0.5 < inconclusive < 0.7, PMID: 27666373). To our knowledge, functional studies have not been reported for this variant. This variant has not been reported in individuals affected with TSC2-related disorders in the literature. This variant has been identified in 1/250368 chromosomes in the general population by the Genome Aggregation Database (gnomAD). The available evidence is insufficient to determine the role of this variant in disease conclusively. Therefore, this variant is classified as a Variant of Uncertain Significance.

This study involves interpretation of variants in research participants for the purpose of population health screening. Participant phenotype was not available at the time of variant classification. Additional details can be found in publication PMID: 35346344, PMCID: PMC8962531

NM_000548.5(TSC2):c.3830C>T (p.Ser1277Phe)

Gene: TSC2 (TSC complex subunit 2; plus strand). Cytogenetic location: 16p13.3.
Variant type: single nucleotide variant.
Coding change: c.3830C>T on transcript NM_000548.5 (MANE Select); coding-DNA position 3830, C replaced by T.
Protein change: p.Ser1277Phe; replaces serine 1277 with phenylalanine.
Molecular consequence: missense variant. On other transcripts: intron variant (6).
Genome position (GRCh38, 1-based): chr16:2,082,451, C>T. VCF-style: chr16-2082451-C-T. GRCh37 (hg19) VCF-style: chr16-2132452-C-T.
Other names: c.3098C>T, p.Ser1033Phe (NM_001318831.2); c.3698C>T, p.Ser1233Phe (NM_001370404.1); c.3701C>T, p.Ser1234Phe (NM_001370405.1, NM_021055.3); c.3814+653C>T (NM_001114382.3); c.3685+653C>T (NM_001363528.2); c.3682+653C>T (NM_001077183.3); c.3574+653C>T (NM_001318827.2); c.3538+653C>T (NM_001318829.2); and 1 more; short protein forms S1033F, S1277F, S1233F, S1234F.
Identifiers: ClinVar variation 854083 (VCV000854083.9), dbSNP rs1330915229, ClinGen allele CA394294865.
Genomic context (GRCh38, chr16:2,082,451, plus strand): 5'-GCCCCTCCTCCTGCTGACGTGGCCGCACACGGCCTTCCCTTGCAGTGGCCTCTTTCTCCT[C>T]CCTGTACCAGTCCAGCTGCCAAGGACAGCTGCACAGGAGCGTTTCCTGGGCAGGTATCGC-3'
Protein context (NP_000539.2, residues 1267-1287): PRSNTVASFS[Ser1277Phe]LYQSSCQGQL